The following is an entry in ClinVar:

NM_000038.6(APC):c.2003A>T (p.His668Leu)

Gene: APC (APC regulator of Wnt signaling pathway; plus strand). Cytogenetic location: 5q22.2.
Variant type: single nucleotide variant.
Coding change: c.2003A>T on transcript NM_000038.6 (MANE Select); coding-DNA position 2003, A replaced by T.
Protein change: p.His668Leu; replaces histidine 668 with leucine.
Molecular consequence: missense variant. On other transcripts: non-coding transcript variant (2).
Genome position (GRCh38, 1-based): chr5:112,837,597, A>T. VCF-style: chr5-112837597-A-T. GRCh37 (hg19) VCF-style: chr5-112173294-A-T.
Other names: c.2003A>T, p.His668Leu (NM_001127510.3, NM_001354895.2, NM_001407450.1); c.1949A>T, p.His650Leu (NM_001127511.3); c.2057A>T, p.His686Leu (NM_001354896.2, NM_001407447.1, NM_001407448.1 and 1 more transcripts); c.2033A>T, p.His678Leu (NM_001354897.2); c.1928A>T, p.His643Leu (NM_001354898.2); c.1919A>T, p.His640Leu (NM_001354899.2); c.1880A>T, p.His627Leu (NM_001354900.2); c.1826A>T, p.His609Leu (NM_001354901.2, NM_001407453.1); and 11 more; short protein forms H284L, H385L, H508L, H567L, H640L, H661L, H696L, H577L.
Identifiers: ClinVar variation 2452759 (VCV002452759.5), dbSNP rs2149858502, ClinGen allele CA16025695.

ClinVar aggregate classification (germline): Uncertain significance. Review status: criteria provided, multiple submitters, no conflicts (2 of 4 stars). 2 submissions from 2 submitters: Uncertain significance (2). Last evaluated 2023-07-10.

Conditions:
Familial adenomatous polyposis 1 (FAP1). Also called: POLYPOSIS, ADENOMATOUS INTESTINAL; FAMILIAL ADENOMATOUS POLYPOSIS 1, ATTENUATED. Identifiers: MedGen C2713442, MONDO:0021056, OMIM 175100. Disease mechanism: loss of function.
Hereditary cancer-predisposing syndrome. Also called: Neoplastic Syndromes, Hereditary; Tumor predisposition; Hereditary neoplastic syndrome; Hereditary Cancer Syndrome. Identifiers: Orphanet 140162, MedGen C0027672, MeSH D009386, MONDO:0015356.

Submissions (2):

Labcorp Genetics (formerly Invitae), Labcorp
Classification: Uncertain significance for Familial adenomatous polyposis 1. Last evaluated: 2023-07-10. Review status: criteria provided, single submitter. Criteria: Invitae Variant Classification Sherloc (09022015). Collection method: clinical testing. Allele origin: germline.
Comment: In summary, the available evidence is currently insufficient to determine the role of this variant in disease. Therefore, it has been classified as a Variant of Uncertain Significance. Advanced modeling of protein sequence and biophysical properties (such as structural, functional, and spatial information, amino acid conservation, physicochemical variation, residue mobility, and thermodynamic stability) performed at Invitae indicates that this missense variant is not expected to disrupt APC protein function. ClinVar contains an entry for this variant (Variation ID: 2452759). This variant has not been reported in the literature in individuals affected with APC-related conditions. This variant is not present in population databases (gnomAD no frequency). This sequence change replaces histidine, which is basic and polar, with leucine, which is neutral and non-polar, at codon 668 of the APC protein (p.His668Leu).

Ambry Genetics
Classification: Uncertain significance for Hereditary cancer-predisposing syndrome. Last evaluated: 2023-02-21. Review status: criteria provided, single submitter. Criteria: Ambry Variant Classification Scheme 2023. Collection method: clinical testing. Allele origin: germline.
Comment: The p.H668L variant (also known as c.2003A>T), located in coding exon 15 of the APC gene, results from an A to T substitution at nucleotide position 2003. The histidine at codon 668 is replaced by leucine, an amino acid with similar properties. This amino acid position is conserved. In addition, in silico predictors for this gene do not accurately predict pathogenicity. Since supporting evidence is limited at this time, the clinical significance of this alteration remains unclear.